The following is an entry in ClinVar:

ClinVar aggregate classification (germline): Likely benign. Review status: criteria provided, multiple submitters, no conflicts (2 of 4 stars). 3 submissions from 3 submitters: Likely benign (3). Last evaluated 2026-01-11.

Conditions:
Developmental and epileptic encephalopathy, 36 (DEE36). Also called: ALG13-CDG; Epileptic encephalopathy, early infantile, 36; Congenital disorder of glycosylation, type Is. Identifiers: Orphanet 324422, MedGen C4317295, MONDO:0010472, OMIM 300884.
Inborn genetic diseases. Identifiers: MedGen C0950123, MeSH D030342.

Allele frequency attached by ClinVar (database versions not stated): ExAC 0.00007; ESP Exome Variant Server 0.00009; gnomAD exomes 0.00009 and 0.00012; TOPMed 0.00009; gnomAD 0.00014.
gnomAD v4.1: 147 of 1,210,771 alleles (0.012%); highest among the groups gnomAD compares: Non-Finnish European, 0.015%; no homozygotes.

Submissions (3):

Labcorp Genetics (formerly Invitae), Labcorp
Classification: Likely benign for Developmental and epileptic encephalopathy, 36. Last evaluated: 2026-01-11. Review status: criteria provided, single submitter. Criteria: Invitae Variant Classification Sherloc (09022015). Collection method: clinical testing. Allele origin: germline.

Ambry Genetics
Classification: Likely benign for Inborn genetic diseases. Last evaluated: 2023-05-09. Review status: criteria provided, single submitter. Criteria: Ambry Variant Classification Scheme 2023. Collection method: clinical testing. Allele origin: germline.

GeneDx
Classification: Likely benign. Last evaluated: 2018-01-04. Review status: criteria provided, single submitter. Criteria: GeneDx Variant Classification (06012015). Collection method: clinical testing. Allele origin: germline. Affected: yes.
Comment: This variant is considered likely benign or benign based on one or more of the following criteria: it is a conservative change, it occurs at a poorly conserved position in the protein, it is predicted to be benign by multiple in silico algorithms, and/or has population frequency not consistent with disease.

NM_001099922.3(ALG13):c.13T>C (p.Phe5Leu)

Gene: ALG13 (ALG13 UDP-N-acetylglucosaminyltransferase subunit; plus strand). Cytogenetic location: Xq23.
Variant type: single nucleotide variant.
Coding change: c.13T>C on transcript NM_001099922.3 (MANE Select); coding-DNA position 13, T replaced by C.
Protein change: p.Phe5Leu; replaces phenylalanine 5 with leucine.
Molecular consequence: missense variant. On other transcripts: 5 prime UTR variant (9), non-coding transcript variant (3).
Genome position (GRCh38, 1-based): chrX:111,681,231, T>C. VCF-style: chrX-111681231-T-C. GRCh37 (hg19) VCF-style: chrX-110924459-T-C.
Other names: c.13T>C, p.Phe5Leu (NM_001039210.5, NM_001168385.3, NM_001324290.2 and 2 more transcripts); c.-196T>C (NM_001257230.2, NM_001324291.2); c.-288T>C (NM_001257231.2, NM_001257241.3); c.-321T>C (NM_001257234.2, NM_001257235.3); c.-425T>C (NM_001257237.2, NM_001257240.3, NM_001324293.1); short protein forms F5L.
Identifiers: ClinVar variation 516978 (VCV000516978.15), dbSNP rs199754211, ClinGen allele CA10493417.
Genomic context (GRCh38, chrX:111,681,231, plus strand): 5'-GTTGCGTCATATCCGGCCCTTGCGATCAGGGCTTGAGGAACCCGCGCCATGAAGTGCGTG[T>C]TTGTTACCGTAGGGACCACCAGCTTTGACGACCTCATTGCGTGTGTGTCGGCGCCCGACA-3'
Protein context (NP_001093392.1, residues 1-15): MKCV[Phe5Leu]VTVGTTSFDD